The following is an entry in ClinVar:

ClinVar aggregate classification (germline): Uncertain significance (1 of 4 stars; one submission).

gnomAD v4.1: 6 of 1,614,102 alleles (0.00037%); highest among the groups gnomAD compares: African/African-American, 0.0027%; no homozygotes.

Submission:

Labcorp Genetics (formerly Invitae), Labcorp
Classification: Uncertain significance. Last evaluated: 2025-12-28. Review status: criteria provided, single submitter. Criteria: Invitae Variant Classification Sherloc (09022015). Collection method: clinical testing. Allele origin: germline.
Comment: This sequence change replaces alanine, which is neutral and non-polar, with threonine, which is neutral and polar, at codon 164 of the TRPV6 protein (p.Ala164Thr). This variant is present in population databases (rs769078836, gnomAD 0.006%). This variant has not been reported in the literature in individuals affected with TRPV6-related conditions. ClinVar contains an entry for this variant (Variation ID: 3679125). Experimental studies and prediction algorithms are not available or were not evaluated, and the functional significance of this variant is currently unknown. In summary, the available evidence is currently insufficient to determine the role of this variant in disease. Therefore, it has been classified as a Variant of Uncertain Significance.

NM_018646.6(TRPV6):c.490G>A (p.Ala164Thr)

Gene: TRPV6 (transient receptor potential cation channel subfamily V member 6; minus strand). Cytogenetic location: 7q34.
Variant type: single nucleotide variant.
Coding change: c.490G>A on transcript NM_018646.6 (MANE Select); coding-DNA position 490, G replaced by A.
Protein change: p.Ala164Thr; replaces alanine 164 with threonine.
Molecular consequence: missense variant.
Genome position (GRCh38, 1-based): chr7:142,877,259, C>T on the plus strand (G>A on the coding strand, the complement: TRPV6 is on the minus strand). VCF-style: chr7-142877259-C-T. GRCh37 (hg19) VCF-style: chr7-142575012-C-T.
Other names: short protein forms A164T.
Identifiers: ClinVar variation 3679125 (VCV003679125.2).